The following is an entry in ClinVar:

ClinVar aggregate classification (germline): Uncertain significance. Review status: criteria provided, multiple submitters, no conflicts (2 of 4 stars). 4 submissions from 4 submitters: Uncertain significance (4). Last evaluated 2025-11-23.

Conditions:
Oligodontia-cancer predisposition syndrome. Also called: TOOTH AGENESIS-COLORECTAL CANCER SYNDROME. Identifiers: Orphanet 300576, MedGen C1837750, MONDO:0012075, OMIM 608615. Disease mechanism: loss of function.
Colorectal cancer. Also called: Colorectal cancer, somatic; Malignant Colorectal Neoplasm. Identifiers: MedGen C0346629, MONDO:0005575, OMIM 114500.
Hereditary cancer-predisposing syndrome. Also called: Tumor predisposition; Hereditary neoplastic syndrome; Neoplastic Syndromes, Hereditary; Hereditary Cancer Syndrome. Identifiers: Orphanet 140162, MedGen C0027672, MeSH D009386, MONDO:0015356.

Allele frequency attached by ClinVar (database versions not stated): gnomAD exomes below 0.00001; gnomAD 0.00002; TOPMed 0.00002.
gnomAD v4.1: 4 of 1,614,136 alleles (0.00025%); highest among the groups gnomAD compares: African/African-American, 0.0053%; no homozygotes.

Submissions (4):

Labcorp Genetics (formerly Invitae), Labcorp
Classification: Uncertain significance for Oligodontia-cancer predisposition syndrome. Last evaluated: 2025-11-23. Review status: criteria provided, single submitter. Criteria: Invitae Variant Classification Sherloc (09022015). Collection method: clinical testing. Allele origin: germline.
Comment: This sequence change replaces alanine, which is neutral and non-polar, with threonine, which is neutral and polar, at codon 761 of the AXIN2 protein (p.Ala761Thr). This variant is present in population databases (no rsID available, gnomAD 0.01%). This variant has not been reported in the literature in individuals affected with AXIN2-related conditions. ClinVar contains an entry for this variant (Variation ID: 860933). Invitae Evidence Modeling of protein sequence and biophysical properties (such as structural, functional, and spatial information, amino acid conservation, physicochemical variation, residue mobility, and thermodynamic stability) indicates that this missense variant is not expected to disrupt AXIN2 protein function with a negative predictive value of 80%. In summary, the available evidence is currently insufficient to determine the role of this variant in disease. Therefore, it has been classified as a Variant of Uncertain Significance.

Ambry Genetics
Classification: Uncertain significance for Hereditary cancer-predisposing syndrome. Last evaluated: 2025-03-02. Review status: criteria provided, single submitter. Criteria: Ambry Variant Classification Scheme 2023. Collection method: clinical testing. Allele origin: germline.
Comment: The p.A761T variant (also known as c.2281G>A), located in coding exon 9 of the AXIN2 gene, results from a G to A substitution at nucleotide position 2281. The alanine at codon 761 is replaced by threonine, an amino acid with similar properties. This amino acid position is not well conserved in available vertebrate species. In addition, this alteration is predicted to be tolerated by in silico analysis. Since supporting evidence is limited at this time, the clinical significance of this alteration remains unclear.

Baylor Genetics
Classification: Uncertain significance for Colorectal cancer. Last evaluated: 2024-03-08. Review status: criteria provided, single submitter. Criteria: ACMG Guidelines, 2015. Collection method: clinical testing. Allele origin: unknown.

GeneDx
Classification: Uncertain significance. Last evaluated: 2019-08-16. Review status: criteria provided, single submitter. Criteria: GeneDx Variant Classification Process June 2021. Collection method: clinical testing. Allele origin: germline. Affected: yes.
Comment: Not observed at a significant frequency in large population cohorts (Lek 2016); In silico analysis, which includes protein predictors and evolutionary conservation, supports that this variant does not alter protein structure/function; Has not been previously published as pathogenic or benign to our knowledge

NM_004655.4(AXIN2):c.2281G>A (p.Ala761Thr)

Gene: AXIN2 (axin 2; minus strand). Cytogenetic location: 17q24.1.
Variant type: single nucleotide variant.
Coding change: c.2281G>A on transcript NM_004655.4 (MANE Select); coding-DNA position 2281, G replaced by A.
Protein change: p.Ala761Thr; replaces alanine 761 with threonine.
Molecular consequence: missense variant.
Genome position (GRCh38, 1-based): chr17:65,534,036, C>T on the plus strand (G>A on the coding strand, the complement: AXIN2 is on the minus strand). VCF-style: chr17-65534036-C-T. GRCh37 (hg19) VCF-style: chr17-63530154-C-T.
Other names: c.2086G>A, p.Ala696Thr (NM_001363813.1); short protein forms A761T, A696T.
Identifiers: ClinVar variation 860933 (VCV000860933.16), dbSNP rs1024751792, ClinGen allele CA293093162.